The following is an entry in ClinVar:

ClinVar aggregate classification (germline): Likely benign. Review status: criteria provided, single submitter (1 of 4 stars). 2 submissions from 2 submitters: Likely benign (1). 1 of the submissions does not count toward it. Last evaluated 2019-12-31.

Conditions:
PLXND1-related disorder. Also called: PLXND1-related condition.

Allele frequency attached by ClinVar (database versions not stated): 1000 Genomes Project 30x 0.00016; 1000 Genomes Project 0.00020; ESP Exome Variant Server 0.00046; gnomAD 0.00053 and 0.00056; TOPMed 0.00056.
gnomAD v4.1: 1,317 of 1,588,474 alleles (0.083%); highest among the groups gnomAD compares: Middle Eastern, 0.13%; 1 homozygote.

Submissions (2):

Labcorp Genetics (formerly Invitae), Labcorp
Classification: Likely benign. Last evaluated: 2019-12-31. Review status: criteria provided, single submitter. Criteria: Invitae Variant Classification Sherloc (09022015). Collection method: clinical testing. Allele origin: germline.

PreventionGenetics, part of Exact Sciences
Classification: Likely benign for PLXND1-related condition. Last evaluated: 2019-09-05. Review status: no assertion criteria provided. Collection method: clinical testing. Allele origin: germline. Not counted in ClinVar's aggregate classification.
Comment: This variant is classified as likely benign based on ACMG/AMP sequence variant interpretation guidelines (Richards et al. 2015 PMID: 25741868, with internal and published modifications).

NM_015103.3(PLXND1):c.3866-4G>A

Gene: PLXND1 (plexin D1; minus strand). Cytogenetic location: 3q22.1.
Variant type: single nucleotide variant.
Coding change: c.3866-4G>A on transcript NM_015103.3 (MANE Select); 4 bases into the intron before coding-DNA position 3866, G replaced by A.
Molecular consequence: intron variant.
Genome position (GRCh38, 1-based): chr3:129,567,809, C>T on the plus strand (G>A on the coding strand, the complement: PLXND1 is on the minus strand). VCF-style: chr3-129567809-C-T. GRCh37 (hg19) VCF-style: chr3-129286652-C-T.
Identifiers: ClinVar variation 784603 (VCV000784603.6), dbSNP rs201279877, ClinGen allele CA2608423.